The following is an entry in ClinVar:

ClinVar aggregate classification (germline): Uncertain significance. Review status: criteria provided, single submitter (1 of 4 stars). 2 submissions from 2 submitters: Uncertain significance (1). 1 of the submissions does not count toward it. Last evaluated 2021-07-06.

Conditions:
TRIM3-related disorder. Also called: TRIM3-related condition.

Allele frequency attached by ClinVar (database versions not stated): ExAC 0.00005; gnomAD exomes 0.00006; gnomAD 0.00007; TOPMed 0.00011; ESP Exome Variant Server 0.00015.
gnomAD v4.1: 104 of 1,531,032 alleles (0.0068%); highest among the groups gnomAD compares: Middle Eastern, 0.12%; no homozygotes.

Submissions (2):

Ambry Genetics
Classification: Uncertain significance. Last evaluated: 2021-07-06. Review status: criteria provided, single submitter. Criteria: Ambry Variant Classification Scheme 2023. Collection method: clinical testing. Allele origin: germline.

PreventionGenetics, part of Exact Sciences
Classification: Likely benign for TRIM3-related condition. Last evaluated: 2023-03-29. Review status: no assertion criteria provided. Collection method: clinical testing. Allele origin: germline. Not counted in ClinVar's aggregate classification.
Comment: This variant is classified as likely benign based on ACMG/AMP sequence variant interpretation guidelines (Richards et al. 2015 PMID: 25741868, with internal and published modifications).

NM_033278.4(TRIM3):c.1316G>C (p.Gly439Ala)

Gene: TRIM3 (tripartite motif containing 3; minus strand). Cytogenetic location: 11p15.4.
Variant type: single nucleotide variant.
Coding change: c.1316G>C on transcript NM_033278.4 (MANE Select); coding-DNA position 1316, G replaced by C.
Protein change: p.Gly439Ala; replaces glycine 439 with alanine.
Molecular consequence: missense variant.
Genome position (GRCh38, 1-based): chr11:6,456,410, C>G on the plus strand (G>C on the coding strand, the complement: TRIM3 is on the minus strand). VCF-style: chr11-6456410-C-G. GRCh37 (hg19) VCF-style: chr11-6477640-C-G.
Other names: c.1316G>C, p.Gly439Ala (NM_001248006.2, NM_006458.4); c.959G>C, p.Gly320Ala (NM_001248007.2); c.1316G>C (NM_006458.3); short protein forms G320A, G439A.
Identifiers: ClinVar variation 2357516 (VCV002357516.4), dbSNP rs368164162, ClinGen allele CA5854456.